The following is an entry in ClinVar:

ClinVar aggregate classification (germline): Uncertain significance. Review status: criteria provided, multiple submitters, no conflicts (2 of 4 stars). 2 submissions from 2 submitters: Uncertain significance (2). Last evaluated 2024-04-24.

Allele frequency attached by ClinVar (database versions not stated): gnomAD 0.00007; TOPMed 0.00009.
gnomAD v4.1: 18 of 1,614,066 alleles (0.0011%); highest among the groups gnomAD compares: Admixed American, 0.03%; no homozygotes.

Submissions (2):

Labcorp Genetics (formerly Invitae), Labcorp
Classification: Uncertain significance. Last evaluated: 2024-04-24. Review status: criteria provided, single submitter. Criteria: Invitae Variant Classification Sherloc (09022015). Collection method: clinical testing. Allele origin: germline.
Comment: This sequence change replaces glycine, which is neutral and non-polar, with glutamic acid, which is acidic and polar, at codon 599 of the FAT4 protein (p.Gly599Glu). This variant is present in population databases (no rsID available, gnomAD 0.02%). This variant has not been reported in the literature in individuals affected with FAT4-related conditions. ClinVar contains an entry for this variant (Variation ID: 1878791). Advanced modeling of protein sequence and biophysical properties (such as structural, functional, and spatial information, amino acid conservation, physicochemical variation, residue mobility, and thermodynamic stability) performed at Invitae indicates that this missense variant is not expected to disrupt FAT4 protein function with a negative predictive value of 80%. In summary, the available evidence is currently insufficient to determine the role of this variant in disease. Therefore, it has been classified as a Variant of Uncertain Significance.

GeneDx
Classification: Uncertain significance. Last evaluated: 2022-07-13. Review status: criteria provided, single submitter. Criteria: GeneDx Variant Classification Process June 2021. Collection method: clinical testing. Allele origin: germline. Affected: yes.
Comment: In silico analysis supports that this missense variant does not alter protein structure/function; Has not been previously published as pathogenic or benign to our knowledge

NM_001291303.3(FAT4):c.1796G>A (p.Gly599Glu)

Gene: FAT4 (FAT atypical cadherin 4; plus strand). Cytogenetic location: 4q28.1.
Variant type: single nucleotide variant.
Coding change: c.1796G>A on transcript NM_001291303.3 (MANE Select); coding-DNA position 1796, G replaced by A.
Protein change: p.Gly599Glu; replaces glycine 599 with glutamic acid.
Molecular consequence: missense variant.
Genome position (GRCh38, 1-based): chr4:125,318,207, G>A. VCF-style: chr4-125318207-G-A. GRCh37 (hg19) VCF-style: chr4-126239362-G-A.
Other names: c.1796G>A, p.Gly599Glu (NM_001291285.3, NM_024582.6); short protein forms G599E.
Identifiers: ClinVar variation 1878791 (VCV001878791.2), dbSNP rs1432760787, ClinGen allele CA358118662.